The following is an entry in ClinVar:

ClinVar aggregate classification (germline): Pathogenic (1 of 4 stars; one submission).

Conditions:
Marfan syndrome (MFS). Also called: FBN1-Related Marfan Syndrome; MARFAN SYNDROME, TYPE I; Marfan syndrome type 1; Marfan's syndrome; Marfan syndrome, classic. Identifiers: Orphanet 284963, Orphanet 558, MedGen C0024796, MONDO:0007947, OMIM 154700.
Familial thoracic aortic aneurysm and aortic dissection (TAAD). Also called: Thoracic aortic aneurysms and dissections. Identifiers: Orphanet 91387, MedGen C4707243, MONDO:0019625.

Submission:

Labcorp Genetics (formerly Invitae), Labcorp
Classification: Pathogenic for Marfan syndrome; Familial thoracic aortic aneurysm and aortic dissection. Last evaluated: 2025-08-28. Review status: criteria provided, single submitter. Criteria: Invitae Variant Classification Sherloc (09022015). Collection method: clinical testing. Allele origin: germline.
Comment: This sequence change replaces cysteine, which is neutral and slightly polar, with glycine, which is neutral and non-polar, at codon 2085 of the FBN1 protein (p.Cys2085Gly). This variant is not present in population databases (gnomAD no frequency). This missense change has been observed in individual(s) with Marfan syndrome (internal data). ClinVar contains an entry for this variant (Variation ID: 1068676). Invitae Evidence Modeling of protein sequence and biophysical properties (such as structural, functional, and spatial information, amino acid conservation, physicochemical variation, residue mobility, and thermodynamic stability) indicates that this missense variant is expected to disrupt FBN1 protein function with a positive predictive value of 95%. This variant affects a cysteine residue in the EGF-like, TGFBP or hybrid motif domains of FBN1. Cysteine residues are believed to be involved in intramolecular disulfide bridges and have been shown to be important for FBN1 protein structure (PMID: 16905551, 19349279). In addition, missense substitutions affecting cysteine residues within these domains are significantly overrepresented among patients with Marfan syndrome (PMID: 16571647, 17701892). This variant disrupts the p.Cys2085 amino acid residue in FBN1. Other variant(s) that disrupt this residue have been observed in individuals with FBN1-related conditions (PMID: 16220557, 25907466), which suggests that this may be a clinically significant amino acid residue. For these reasons, this variant has been classified as Pathogenic.

Literature cited by the submitters: PubMed 16905551; PubMed 19349279; PubMed 16571647; PubMed 17701892; PubMed 16220557; PubMed 25907466.

NM_000138.5(FBN1):c.6253T>G (p.Cys2085Gly)

Gene: FBN1 (fibrillin 1; minus strand). Cytogenetic location: 15q21.1.
Variant type: single nucleotide variant.
Coding change: c.6253T>G on transcript NM_000138.5 (MANE Select); coding-DNA position 6253, T replaced by G.
Protein change: p.Cys2085Gly; replaces cysteine 2085 with glycine.
Molecular consequence: missense variant.
Genome position (GRCh38, 1-based): chr15:48,437,828, A>C on the plus strand (T>G on the coding strand, the complement: FBN1 is on the minus strand). VCF-style: chr15-48437828-A-C. GRCh37 (hg19) VCF-style: chr15-48730025-A-C.
Other names: short protein forms C2085G.
Identifiers: ClinVar variation 1068676 (VCV001068676.9), dbSNP rs2141241496, ClinGen allele CA392337018.